The following is an entry in ClinVar:

ClinVar aggregate classification (germline): Uncertain significance (1 of 4 stars; one submission).

Submission:

Labcorp Genetics (formerly Invitae), Labcorp
Classification: Uncertain significance. Last evaluated: 2020-12-19. Review status: criteria provided, single submitter. Criteria: Invitae Variant Classification Sherloc (09022015). Collection method: clinical testing. Allele origin: germline.
Comment: In summary, the available evidence is currently insufficient to determine the role of this variant in disease. Therefore, it has been classified as a Variant of Uncertain Significance. Advanced modeling of protein sequence and biophysical properties (such as structural, functional, and spatial information, amino acid conservation, physicochemical variation, residue mobility, and thermodynamic stability) performed at Invitae indicates that this missense variant is expected to disrupt LRP2 protein function. This variant has not been reported in the literature in individuals with LRP2-related conditions. This variant is not present in population databases (ExAC no frequency). This sequence change replaces leucine with serine at codon 1438 of the LRP2 protein (p.Leu1438Ser). The leucine residue is highly conserved and there is a large physicochemical difference between leucine and serine.

NM_004525.3(LRP2):c.4313T>C (p.Leu1438Ser)

Gene: LRP2 (LDL receptor related protein 2; minus strand). Cytogenetic location: 2q31.1.
Variant type: single nucleotide variant.
Coding change: c.4313T>C on transcript NM_004525.3 (MANE Select); coding-DNA position 4313, T replaced by C.
Protein change: p.Leu1438Ser; replaces leucine 1438 with serine.
Molecular consequence: missense variant.
Genome position (GRCh38, 1-based): chr2:169,238,284, A>G on the plus strand (T>C on the coding strand, the complement: LRP2 is on the minus strand). VCF-style: chr2-169238284-A-G. GRCh37 (hg19) VCF-style: chr2-170094794-A-G.
Other names: short protein forms L1438S.
Identifiers: ClinVar variation 1471269 (VCV001471269.8), dbSNP rs2105379052, ClinGen allele CA349145042.
Genomic context (GRCh38, chr2:169,238,284, plus strand): 5'-ATATTGTGGACCTGGGAGGTGACACTGTCGGCAATAATTTTGTTCTGACTTGCCACAAGT[A>G]ACAGCAGACTCTCAGATGCTGTTCAAGAAAAAAATGCAAAAATGTCAATGATACTGGGAG-3'
Protein context (NP_004516.2, residues 1428-1448): CKVTASESLL[Leu1438Ser]LVASQNKIIA